The following is an entry in ClinVar:

ClinVar aggregate classification (germline): Uncertain significance (1 of 4 stars; one submission).

Allele frequency attached by ClinVar (database versions not stated): gnomAD exomes below 0.00001; ExAC 0.00003.
gnomAD v4.1: 5 of 1,588,830 alleles (0.00031%); highest among the groups gnomAD compares: Non-Finnish European, 0.00043%; no homozygotes.

Submission:

Women's Health and Genetics/Laboratory Corporation of America, LabCorp
Classification: Uncertain significance. Last evaluated: 2023-06-29. Review status: criteria provided, single submitter. Criteria: LabCorp Variant Classification Summary - May 2015. Collection method: clinical testing. Allele origin: germline.
Comment: Variant summary: TTN c.11762A>G (p.Lys3921Arg) results in a conservative amino acid change located in the I-band of the encoded protein sequence. Two of four in-silico tools predict a benign effect of the variant on protein function. The variant allele was found at a frequency of 1.3e-05 in 235098 control chromosomes (gnomAD). The available data on variant occurrences in the general population are insufficient to allow any conclusion about variant significance. To our knowledge, no occurrence of c.11762A>G in individuals affected with Limb-Girdle Muscular Dystrophy, Type 2J and no experimental evidence demonstrating its impact on protein function have been reported. No submitters have cited clinical-significance assessments for this variant to ClinVar after 2014. Based on the evidence outlined above, the variant was classified as uncertain significance.

NM_001267550.2(TTN):c.15494A>G (p.Lys5165Arg)

Gene: TTN (titin; minus strand). Cytogenetic location: 2q31.2.
Variant type: single nucleotide variant.
Coding change: c.15494A>G on transcript NM_001267550.2 (MANE Select); coding-DNA position 15494, A replaced by G.
Protein change: p.Lys5165Arg; replaces lysine 5165 with arginine.
Molecular consequence: missense variant. On other transcripts: intron variant (3).
Genome position (GRCh38, 1-based): chr2:178,734,330, T>C on the plus strand (A>G on the coding strand, the complement: TTN is on the minus strand). VCF-style: chr2-178734330-T-C. GRCh37 (hg19) VCF-style: chr2-179599057-T-C.
Other names: c.14543A>G, p.Lys4848Arg (NM_001256850.1); c.11762A>G, p.Lys3921Arg (NM_133378.4); c.13282+3752A>G (NM_003319.4); c.13858+3752A>G (NM_133437.4); c.13657+3752A>G (NM_133432.3); short protein forms K3921R, K4848R, K5165R.
Identifiers: ClinVar variation 2573339 (VCV002573339.1), dbSNP rs768283610, ClinGen allele CA2002222.
Genomic context (GRCh38, chr2:178,734,330, plus strand): 5'-GGGTAAGAAAGCTAGTTTGACAATTTATTAAAGAGACATTAGTTTTTCAAGCACTAACCT[T>C]TGAGTAAGTGGGTTGCCATGCAGCCACACTTGCCGACTTCATTAGCAACAACACATTCAT-3'
Protein context (NP_001254479.2, residues 5155-5175): KCGCMATHLL[Lys5165Arg]EPPTFVKKVD